The following is an entry in ClinVar:

ClinVar aggregate classification (germline): Uncertain significance (1 of 4 stars; one submission).

Conditions:
Severe combined immunodeficiency due to DNA-PKcs deficiency. Also called: IMMUNODEFICIENCY 26 WITH NEUROLOGIC ABNORMALITIES; Immunodeficiency 26 with or without neurologic abnormalities. Identifiers: Orphanet 317425, MedGen C4014833, MONDO:0014423, OMIM 615966.

Allele frequency attached by ClinVar (database versions not stated): gnomAD exomes below 0.00001.
gnomAD v4.1: 2 of 1,541,742 alleles (0.00013%); highest among the groups gnomAD compares: Non-Finnish European, 0.00017%; no homozygotes.

Submission:

Labcorp Genetics (formerly Invitae), Labcorp
Classification: Uncertain significance for Severe combined immunodeficiency due to DNA-PKcs deficiency. Last evaluated: 2019-06-09. Review status: criteria provided, single submitter. Criteria: Invitae Variant Classification Sherloc (09022015). Collection method: clinical testing. Allele origin: germline.
Comment: In summary, the available evidence is currently insufficient to determine the role of this variant in disease. Therefore, it has been classified as a Variant of Uncertain Significance. This sequence change replaces aspartic acid with glycine at codon 2121 of the PRKDC protein (p.Asp2121Gly). The aspartic acid residue is moderately conserved and there is a moderate physicochemical difference between aspartic acid and glycine. This variant is not present in population databases (ExAC no frequency). This variant has not been reported in the literature in individuals with PRKDC-related conditions. Algorithms developed to predict the effect of missense changes on protein structure and function are either unavailable or do not agree on the potential impact of this missense change (SIFT: "Deleterious"; PolyPhen-2: "Not Available"; Align-GVGD: "Class C0").

NM_006904.7(PRKDC):c.6362A>G (p.Asp2121Gly)

Gene: PRKDC (protein kinase, DNA-activated, catalytic subunit; minus strand). Cytogenetic location: 8q11.21.
Variant type: single nucleotide variant.
Coding change: c.6362A>G on transcript NM_006904.7 (MANE Select); coding-DNA position 6362, A replaced by G.
Protein change: p.Asp2121Gly; replaces aspartic acid 2121 with glycine.
Molecular consequence: missense variant.
Genome position (GRCh38, 1-based): chr8:47,858,619, T>C on the plus strand (A>G on the coding strand, the complement: PRKDC is on the minus strand). VCF-style: chr8-47858619-T-C. GRCh37 (hg19) VCF-style: chr8-48771180-T-C.
Other names: c.6362A>G, p.Asp2121Gly (NM_001081640.2); short protein forms D2121G.
Identifiers: ClinVar variation 935315 (VCV000935315.8), dbSNP rs2088599092, ClinGen allele CA371160762.